The following is an entry in ClinVar:

ClinVar aggregate classification (germline): Conflicting classifications of pathogenicity. Review status: criteria provided, conflicting classifications (1 of 4 stars). 3 submissions from 3 submitters: Uncertain significance (2); Likely benign (1). Last evaluated 2025-12-21.

Conditions:
Developmental and epileptic encephalopathy, 7 (DEE7). Also called: KCNQ2-Related Neonatal-Onset Developmental and Epileptic Encephalopathy (NEO-DEE); Early infantile epileptic encephalopathy 7; KCNQ2-Related Neonatal Epileptic Encephalopathy. Identifiers: Orphanet 439218, MedGen C3150986, MONDO:0013387, OMIM 613720.
Seizures, benign familial neonatal, 1. Also called: KCNQ2-Related Self-Limited Familial Neonatal Epilepsy (SLFNE); Benign Neonatal Epilepsy 1; Seizures, benign neonatal, 1; KCNQ2-Related Benign Familial Neonatal Epilepsy. Identifiers: Orphanet 1949, MedGen C3149074, MONDO:0007365, OMIM 121200.
Early-infantile DEE. Also called: Ohtahara syndrome; Early infantile epileptic encephalopathy; Early infantile epileptic encephalopathy with suppression bursts. Identifiers: Orphanet 1934, MedGen C0393706, MONDO:0800491.
Inborn genetic diseases. Identifiers: MedGen C0950123, MeSH D030342.

Allele frequency attached by ClinVar (database versions not stated): gnomAD 0.00001; ExAC 0.00003; gnomAD exomes 0.00003.

Submissions (3):

Labcorp Genetics (formerly Invitae), Labcorp
Classification: Uncertain significance for Early-infantile DEE. Last evaluated: 2025-12-21. Review status: criteria provided, single submitter. Criteria: Invitae Variant Classification Sherloc (09022015). Collection method: clinical testing. Allele origin: germline.
Comment: This sequence change replaces arginine, which is basic and polar, with glutamine, which is neutral and polar, at codon 767 of the KCNQ2 protein (p.Arg767Gln). This variant is present in population databases (rs752551225, gnomAD 0.008%). This variant has not been reported in the literature in individuals affected with KCNQ2-related conditions. ClinVar contains an entry for this variant (Variation ID: 842415). Invitae Evidence Modeling of protein sequence and biophysical properties (such as structural, functional, and spatial information, amino acid conservation, physicochemical variation, residue mobility, and thermodynamic stability) indicates that this missense variant is not expected to disrupt KCNQ2 protein function with a negative predictive value of 95%. In summary, the available evidence is currently insufficient to determine the role of this variant in disease. Therefore, it has been classified as a Variant of Uncertain Significance.

Ambry Genetics
Classification: Likely benign for Inborn genetic diseases. Last evaluated: 2024-06-04. Review status: criteria provided, single submitter. Criteria: Ambry Variant Classification Scheme 2023. Collection method: clinical testing. Allele origin: germline.

Fulgent Genetics
Classification: Uncertain significance for Seizures, benign familial neonatal, 1; Developmental and epileptic encephalopathy, 7. Last evaluated: 2021-10-06. Review status: criteria provided, single submitter. Criteria: ACMG Guidelines, 2015. Collection method: clinical testing. Allele origin: unknown.

NM_172107.4(KCNQ2):c.2300G>A (p.Arg767Gln)

Gene: KCNQ2 (potassium voltage-gated channel subfamily Q member 2; minus strand). Cytogenetic location: 20q13.33.
Variant type: single nucleotide variant.
Coding change: c.2300G>A on transcript NM_172107.4 (MANE Select); coding-DNA position 2300, G replaced by A.
Protein change: p.Arg767Gln; replaces arginine 767 with glutamine.
Molecular consequence: missense variant.
Genome position (GRCh38, 1-based): chr20:63,406,963, C>T on the plus strand (G>A on the coding strand, the complement: KCNQ2 is on the minus strand). VCF-style: chr20-63406963-C-T. GRCh37 (hg19) VCF-style: chr20-62038316-C-T.
Other names: c.2216G>A, p.Arg739Gln (NM_004518.6); c.2246G>A, p.Arg749Gln (NM_172106.3); c.2207G>A, p.Arg736Gln (NM_172108.5); short protein forms R736Q, R739Q, R749Q, R767Q.
Identifiers: ClinVar variation 842415 (VCV000842415.13), dbSNP rs752551225, ClinGen allele CA9958105.
Genomic context (GRCh38, chr20:63,406,963, plus strand): 5'-GACGTGTCGCTGTCCCGCAGGTTCCCCTCGGGGGGCCTGCAGCCCGGGGTGTCCTCCTGC[C>T]GCAGGAACTCCATGCTGGCGCGGTTGCCCCCGCCGTAGGCGGACAGCGACCGCTCGTGGG-3'
Protein context (NP_742105.1, residues 757-777): GGNRASMEFL[Arg767Gln]QEDTPGCRPP